The following is an entry in ClinVar:

NM_031433.4(MFRP):c.1255+1G>C

Genes: C1QTNF5 (C1q and TNF related 5; minus strand), MFRP (membrane frizzled-related protein; minus strand). Cytogenetic location: 11q23.3.
Variant type: single nucleotide variant.
Coding change: c.1255+1G>C on transcript NM_031433.4 (MANE Select); the canonical splice donor site of the intron after coding-DNA position 1255, G replaced by C.
Molecular consequence: splice donor variant.
Genome position (GRCh38, 1-based): chr11:119,342,872, C>G on the plus strand (G>C on the coding strand, the complement: MFRP is on the minus strand). VCF-style: chr11-119342872-C-G. GRCh37 (hg19) VCF-style: chr11-119213582-C-G.
Other names: c.-1382+1G>C (NM_015645.5).
Identifiers: ClinVar variation 3713864 (VCV003713864.2).

ClinVar aggregate classification (germline): Likely pathogenic (1 of 4 stars; one submission).

Conditions:
Isolated microphthalmia 5. Also called: Posterior Microphthalmia with Retinitis Pigmentosa, Foveoschisis, and Optic Disc Drusen. Identifiers: Orphanet 251279, MedGen C1970236, MONDO:0012605, OMIM 611040.

gnomAD v4.1: 2 of 1,613,140 alleles (0.00012%); highest among the groups gnomAD compares: Non-Finnish European, 0.00017%; no homozygotes.

Submission:

Labcorp Genetics (formerly Invitae), Labcorp
Classification: Likely pathogenic for Isolated microphthalmia 5. Last evaluated: 2024-11-18. Review status: criteria provided, single submitter. Criteria: Invitae Variant Classification Sherloc (09022015). Collection method: clinical testing. Allele origin: germline.
Comment: This sequence change affects a donor splice site in intron 10 of the MFRP gene. It is expected to disrupt RNA splicing. Variants that disrupt the donor or acceptor splice site typically lead to a loss of protein function (PMID: 16199547), and loss-of-function variants in MFRP are known to be pathogenic (PMID: 12140190, 15976030, 20361016). This variant is not present in population databases (gnomAD no frequency). This variant has not been reported in the literature in individuals affected with MFRP-related conditions. Algorithms developed to predict the effect of sequence changes on RNA splicing suggest that this variant may disrupt the consensus splice site. In summary, the currently available evidence indicates that the variant is pathogenic, but additional data are needed to prove that conclusively. Therefore, this variant has been classified as Likely Pathogenic.

Literature cited by the submitters: PubMed 16199547; PubMed 12140190; PubMed 15976030; PubMed 20361016.